The following is an entry in ClinVar:

NM_000264.5(PTCH1):c.500C>G (p.Ala167Gly)

Gene: PTCH1 (patched 1; minus strand). Cytogenetic location: 9q22.32.
Variant type: single nucleotide variant.
Coding change: c.500C>G on transcript NM_000264.5 (MANE Select); coding-DNA position 500, C replaced by G.
Protein change: p.Ala167Gly; replaces alanine 167 with glycine.
Molecular consequence: missense variant. On other transcripts: non-coding transcript variant (1).
Genome position (GRCh38, 1-based): chr9:95,485,769, G>C on the plus strand (C>G on the coding strand, the complement: PTCH1 is on the minus strand). VCF-style: chr9-95485769-G-C. GRCh37 (hg19) VCF-style: chr9-98248051-G-C.
Other names: c.302C>G, p.Ala101Gly (NM_001083602.3, NM_001354919.2); c.497C>G, p.Ala166Gly (NM_001083603.3); c.47C>G, p.Ala16Gly (NM_001083604.3, NM_001083605.3, NM_001083606.3 and 1 more transcripts); c.500C>G, p.Ala167Gly (NM_001354918.2); short protein forms A101G, A166G, A167G, A16G.
Identifiers: ClinVar variation 3784585 (VCV003784585.1).

ClinVar aggregate classification (germline): Uncertain significance (1 of 4 stars; one submission).

Conditions:
Hereditary cancer-predisposing syndrome. Also called: Neoplastic Syndromes, Hereditary; Hereditary Cancer Syndrome; Tumor predisposition; Hereditary neoplastic syndrome. Identifiers: Orphanet 140162, MedGen C0027672, MeSH D009386, MONDO:0015356.

Submission:

Ambry Genetics
Classification: Uncertain significance for Hereditary cancer-predisposing syndrome. Last evaluated: 2025-02-12. Review status: criteria provided, single submitter. Criteria: Ambry Variant Classification Scheme 2023. Collection method: clinical testing. Allele origin: germline.
Comment: The p.A167G variant (also known as c.500C>G), located in coding exon 3 of the PTCH1 gene, results from a C to G substitution at nucleotide position 500. The alanine at codon 167 is replaced by glycine, an amino acid with similar properties. This amino acid position is conserved. In addition, the in silico prediction for this alteration is inconclusive. Based on the available evidence, the clinical significance of this variant remains unclear.